The following is an entry in ClinVar:

ClinVar aggregate classification (germline): Conflicting classifications of pathogenicity. Review status: criteria provided, conflicting classifications (1 of 4 stars). 8 submissions from 8 submitters: Uncertain significance (1); Likely benign (5). 2 of the submissions do not count toward it. Last evaluated 2026-01-31.

Conditions:
POLE-related disorder. Also called: POLE-related disorders; POLE-related condition.
Hereditary cancer-predisposing syndrome. Also called: Neoplastic Syndromes, Hereditary; Tumor predisposition; Hereditary Cancer Syndrome; Hereditary neoplastic syndrome. Identifiers: Orphanet 140162, MedGen C0027672, MeSH D009386, MONDO:0015356.

Allele frequency attached by ClinVar (database versions not stated): gnomAD 0.00003 and 0.00004; ESP Exome Variant Server 0.00008; TOPMed 0.00009; ExAC 0.00013.
gnomAD v4.1: 91 of 1,613,844 alleles (0.0056%); highest among the groups gnomAD compares: East Asian, 0.025%; no homozygotes.

Submissions (8):

Labcorp Genetics (formerly Invitae), Labcorp
Classification: Likely benign. Last evaluated: 2026-01-31. Review status: criteria provided, single submitter. Criteria: Invitae Variant Classification Sherloc (09022015). Collection method: clinical testing. Allele origin: germline.

Center for Genomic Medicine, Rigshospitalet, Copenhagen University Hospital
Classification: Likely benign. Last evaluated: 2025-03-04. Review status: criteria provided, single submitter. Criteria: ACMG Guidelines, 2015. Collection method: clinical testing. Allele origin: germline.

Blueprint Genetics
Classification: Likely benign. Last evaluated: 2024-04-11. Review status: criteria provided, single submitter. Criteria: ACMG Guidelines, 2015. Collection method: clinical testing. Allele origin: germline.

GeneDx
Classification: Likely benign. Last evaluated: 2020-01-10. Review status: criteria provided, single submitter. Criteria: GeneDx Variant Classification Process June 2021. Collection method: clinical testing. Allele origin: germline. Affected: yes.

Laboratory for Molecular Medicine, Mass General Brigham Personalized Medicine
Classification: Uncertain significance. Last evaluated: 2016-11-18. Review status: criteria provided, single submitter. Criteria: LMM Criteria. Collection method: clinical testing. Allele origin: germline. Observed: 1 variant allele.
Comment: Variant classified as Uncertain Significance - Favor Benign. The p.Pro2045Pro va riant in POLE has not been previously reported in individuals with colorectal ca ncer but has been identified in 5/8596 of East Asian chromosomes by the Exome Ag gregation Consortium (ExAC; dbSNP rs368662693). This variant is located in the last three bases of the exon, which is part of th e 5? splice region. Computational tools do not suggest an impact to splicing. Ho wever, this information is not predictive enough to rule out pathogenicity. In s ummary, the clinical significance of the p.Pro2045Pro variant is uncertain altho ugh it is suspected to be more likely benign.

Ambry Genetics
Classification: Likely benign for Hereditary cancer-predisposing syndrome. Last evaluated: 2016-02-09. Review status: criteria provided, single submitter. Criteria: Ambry Variant Classification Scheme 2023. Collection method: clinical testing. Allele origin: germline.

PreventionGenetics, part of Exact Sciences
Classification: Likely benign for POLE-related condition. Last evaluated: 2024-05-02. Review status: no assertion criteria provided. Collection method: clinical testing. Allele origin: germline. Not counted in ClinVar's aggregate classification.
Comment: This variant is classified as likely benign based on ACMG/AMP sequence variant interpretation guidelines (Richards et al. 2015 PMID: 25741868, with internal and published modifications).

True Health Diagnostics
Classification: Uncertain significance for Hereditary cancer-predisposing syndrome. Last evaluated: 2017-09-29. Review status: no assertion criteria provided. Collection method: clinical testing. Allele origin: germline. Not counted in ClinVar's aggregate classification.

NM_006231.4(POLE):c.6135C>T (p.Pro2045=)

Gene: POLE (DNA polymerase epsilon, catalytic subunit; minus strand). Cytogenetic location: 12q24.33.
Variant type: single nucleotide variant.
Coding change: c.6135C>T on transcript NM_006231.4 (MANE Select); coding-DNA position 6135, C replaced by T.
Protein change: p.Pro2045=; no amino-acid change (proline 2045 retained).
Molecular consequence: synonymous variant.
Genome position (GRCh38, 1-based): chr12:132,632,665, G>A on the plus strand (C>T on the coding strand, the complement: POLE is on the minus strand). VCF-style: chr12-132632665-G-A. GRCh37 (hg19) VCF-style: chr12-133209251-G-A.
Identifiers: ClinVar variation 382254 (VCV000382254.25), dbSNP rs368662693, ClinGen allele CA6892271.